The following is an entry in ClinVar:

NM_022765.4(MICAL1):c.615G>C (p.Gln205His)

Gene: MICAL1 (microtubule associated monooxygenase, calponin and LIM domain containing 1; minus strand). Cytogenetic location: 6q21.
Variant type: single nucleotide variant.
Coding change: c.615G>C on transcript NM_022765.4 (MANE Select); coding-DNA position 615, G replaced by C.
Protein change: p.Gln205His; replaces glutamine 205 with histidine.
Molecular consequence: missense variant.
Genome position (GRCh38, 1-based): chr6:109,452,572, C>G on the plus strand (G>C on the coding strand, the complement: MICAL1 is on the minus strand). VCF-style: chr6-109452572-C-G. GRCh37 (hg19) VCF-style: chr6-109773775-C-G.
Other names: c.615G>C, p.Gln205His (NM_001159291.2); c.672G>C, p.Gln224His (NM_001286613.2); short protein forms Q205H, Q224H.
Identifiers: ClinVar variation 4704592 (VCV004704592.1).

ClinVar aggregate classification (germline): Uncertain significance (1 of 4 stars; one submission).

Submission:

Labcorp Genetics (formerly Invitae), Labcorp
Classification: Uncertain significance. Last evaluated: 2025-10-31. Review status: criteria provided, single submitter. Criteria: Invitae Variant Classification Sherloc (09022015). Collection method: clinical testing. Allele origin: germline.
Comment: This sequence change replaces glutamine, which is neutral and polar, with histidine, which is basic and polar, at codon 224 of the MICAL1 protein (p.Gln224His). This variant is not present in population databases (gnomAD no frequency). This variant has not been reported in the literature in individuals affected with MICAL1-related conditions. An algorithm developed to predict the effect of missense changes on protein structure and function (PolyPhen-2) suggests that this variant is likely to be disruptive. In summary, the available evidence is currently insufficient to determine the role of this variant in disease. Therefore, it has been classified as a Variant of Uncertain Significance.